The following is an entry in ClinVar:

NM_139343.3(BIN1):c.61A>C (p.Lys21Gln)

Gene: BIN1 (bridging integrator 1; minus strand). Cytogenetic location: 2q14.3.
Variant type: single nucleotide variant.
Coding change: c.61A>C on transcript NM_139343.3 (MANE Select); coding-DNA position 61, A replaced by C.
Protein change: p.Lys21Gln; replaces lysine 21 with glutamine.
Molecular consequence: missense variant.
Genome position (GRCh38, 1-based): chr2:127,106,883, T>G on the plus strand (A>C on the coding strand, the complement: BIN1 is on the minus strand). VCF-style: chr2-127106883-T-G. GRCh37 (hg19) VCF-style: chr2-127864459-T-G.
Other names: c.61A>C, p.Lys21Gln (NM_001320632.2, NM_001320633.2, NM_001320640.2 and 10 more transcripts); short protein forms K21Q.
Identifiers: ClinVar variation 2082952 (VCV002082952.4), dbSNP rs778087138, ClinGen allele CA55353084.
Genomic context (GRCh38, chr2:127,106,883, plus strand): 5'-TGGGACTCCGCGGCTGCTGGGGCTCCGGCTCGCTCACCTTCTCCTGCGCGCGGGTGAGCT[T>G]CTTCTGCACGTTGCTGGCGATCTTTCCCGCCGTCACCCCTTTACTGCCCATCTCTGCCAT-3'
Protein context (NP_647593.1, residues 11-31): AGKIASNVQK[Lys21Gln]LTRAQEKVLQ

ClinVar aggregate classification (germline): Uncertain significance (1 of 4 stars; one submission).

Conditions:
Myopathy, centronuclear, 2 (CNM2). Also called: MYOTUBULAR MYOPATHY, AUTOSOMAL RECESSIVE. Identifiers: Orphanet 169186, MedGen CN031787, MONDO:0009709, OMIM 255200.

Allele frequency attached by ClinVar (database versions not stated): gnomAD 0.00001; gnomAD exomes 0.00001; TOPMed 0.00001.
gnomAD v4.1: 21 of 1,611,874 alleles (0.0013%); highest among the groups gnomAD compares: Non-Finnish European, 0.0017%; no homozygotes.

Submission:

Labcorp Genetics (formerly Invitae), Labcorp
Classification: Uncertain significance for Myopathy, centronuclear, 2. Last evaluated: 2024-10-29. Review status: criteria provided, single submitter. Criteria: Invitae Variant Classification Sherloc (09022015). Collection method: clinical testing. Allele origin: germline.
Comment: This sequence change replaces lysine, which is basic and polar, with glutamine, which is neutral and polar, at codon 21 of the BIN1 protein (p.Lys21Gln). This variant is not present in population databases (gnomAD no frequency). This variant has not been reported in the literature in individuals affected with BIN1-related conditions. ClinVar contains an entry for this variant (Variation ID: 2082952). Invitae Evidence Modeling of protein sequence and biophysical properties (such as structural, functional, and spatial information, amino acid conservation, physicochemical variation, residue mobility, and thermodynamic stability) indicates that this missense variant is not expected to disrupt BIN1 protein function with a negative predictive value of 80%. In summary, the available evidence is currently insufficient to determine the role of this variant in disease. Therefore, it has been classified as a Variant of Uncertain Significance.